The following is an entry in ClinVar:

NM_032043.3(BRIP1):c.643T>C (p.Ser215Pro)

Gene: BRIP1 (BRCA1 interacting DNA helicase 1; minus strand). Cytogenetic location: 17q23.2.
Variant type: single nucleotide variant.
Coding change: c.643T>C on transcript NM_032043.3 (MANE Select); coding-DNA position 643, T replaced by C.
Protein change: p.Ser215Pro; replaces serine 215 with proline.
Molecular consequence: missense variant.
Genome position (GRCh38, 1-based): chr17:61,808,742, A>G on the plus strand (T>C on the coding strand, the complement: BRIP1 is on the minus strand). VCF-style: chr17-61808742-A-G. GRCh37 (hg19) VCF-style: chr17-59886103-A-G.
Other names: short protein forms S215P.
Identifiers: ClinVar variation 3757374 (VCV003757374.2).
Genomic context (GRCh38, chr17:61,808,742, plus strand): 5'-TCTTAATGGTATTCGATGACTCTTGACTGTTTCCTTGTTTAGTAGAACAACAGCACCTAG[A>G]ACAGTGGCCAGGGGGCTGTAAGAAAGGAAAGAAACGATAACTAATATCTAAACTACCATA-3'
Protein context (NP_114432.2, residues 205-225): FSPQKPPGHC[Ser215Pro]RCCCSTKQGN

ClinVar aggregate classification (germline): Uncertain significance (1 of 4 stars; one submission).

Conditions:
Fanconi anemia complementation group J. Also called: BRIP1-Related Fanconi Anemia. Identifiers: Orphanet 84, MedGen C1836860, MONDO:0012187, OMIM 609054.
Familial cancer of breast. Also called: BREAST CANCER, FAMILIAL; Hereditary breast cancer; hereditary breast carcinoma. Identifiers: Orphanet 227535, MedGen C0346153, MONDO:0016419, OMIM 114480. Disease mechanism: loss of function.

Submission:

Labcorp Genetics (formerly Invitae), Labcorp
Classification: Uncertain significance for Familial cancer of breast; Fanconi anemia complementation group J. Last evaluated: 2024-07-24. Review status: criteria provided, single submitter. Criteria: Invitae Variant Classification Sherloc (09022015). Collection method: clinical testing. Allele origin: germline.
Comment: This sequence change replaces serine, which is neutral and polar, with proline, which is neutral and non-polar, at codon 215 of the BRIP1 protein (p.Ser215Pro). This variant is not present in population databases (gnomAD no frequency). This variant has not been reported in the literature in individuals affected with BRIP1-related conditions. Advanced modeling of protein sequence and biophysical properties (such as structural, functional, and spatial information, amino acid conservation, physicochemical variation, residue mobility, and thermodynamic stability) performed at Invitae indicates that this missense variant is not expected to disrupt BRIP1 protein function with a negative predictive value of 80%. In summary, the available evidence is currently insufficient to determine the role of this variant in disease. Therefore, it has been classified as a Variant of Uncertain Significance.